The following is an entry in ClinVar:

NM_005548.3(KARS1):c.2T>A (p.Met1Lys)

Genes: KARS1 (lysyl-tRNA synthetase 1; minus strand), LOC130059450 (ATAC-STARR-seq lymphoblastoid active region 11144; plus strand). Cytogenetic location: 16q23.1.
Variant type: single nucleotide variant.
Coding change: c.2T>A on transcript NM_005548.3 (MANE Select); coding-DNA position 2, T replaced by A.
Protein change: p.Met1Lys; changes the start codon (methionine 1).
Molecular consequence: missense variant, initiator codon variant. On other transcripts: 5 prime UTR variant (2).
Genome position (GRCh38, 1-based): chr16:75,647,638, A>T on the plus strand (T>A on the coding strand, the complement: KARS1 is on the minus strand). VCF-style: chr16-75647638-A-T. GRCh37 (hg19) VCF-style: chr16-75681536-A-T.
Other names: c.-95T>A (NM_001130089.2); c.-581T>A (NM_001378148.1); short protein forms M1K.
Identifiers: ClinVar variation 2502534 (VCV002502534.2), dbSNP rs2507070566, ClinGen allele CA396817010.

ClinVar aggregate classification (germline): Uncertain significance (1 of 4 stars; one submission).

Submission:

GeneDx
Classification: Uncertain significance. Last evaluated: 2022-11-18. Review status: criteria provided, single submitter. Criteria: GeneDx Variant Classification Process June 2021. Collection method: clinical testing. Allele origin: germline. Affected: yes.
Comment: Not observed at significant frequency in large population cohorts (gnomAD); Initiation codon variant in an alternate gene transcript for which loss of function is not a known mechanism of disease; Has not been previously published as pathogenic or benign to our knowledge